The following is an entry in ClinVar:

NM_001273.5(CHD4):c.4904C>T (p.Pro1635Leu)

Genes: CHD4 (chromodomain helicase DNA binding protein 4; minus strand), CHD4-AS1 (CHD4 antisense RNA 1; plus strand). Cytogenetic location: 12p13.31.
Variant type: single nucleotide variant.
Coding change: c.4904C>T on transcript NM_001273.5 (MANE Select); coding-DNA position 4904, C replaced by T.
Protein change: p.Pro1635Leu; replaces proline 1635 with leucine.
Molecular consequence: missense variant.
Genome position (GRCh38, 1-based): chr12:6,581,049, G>A on the plus strand (C>T on the coding strand, the complement: CHD4 is on the minus strand). VCF-style: chr12-6581049-G-A. GRCh37 (hg19) VCF-style: chr12-6690215-G-A.
Other names: c.4883C>T, p.Pro1628Leu (NM_001297553.2); c.4865C>T, p.Pro1622Leu (NM_001363606.2); short protein forms P1622L, P1628L, P1635L.
Identifiers: ClinVar variation 4083094 (VCV004083094.1).

ClinVar aggregate classification (germline): Uncertain significance (1 of 4 stars; one submission).

gnomAD v4.1: 2 of 1,613,700 alleles (0.00012%); highest among the groups gnomAD compares: Non-Finnish European, 0.00017%; no homozygotes.

Submission:

GeneDx
Classification: Uncertain significance. Last evaluated: 2025-03-10. Review status: criteria provided, single submitter. Criteria: GeneDx Variant Classification Process June 2021. Collection method: clinical testing. Allele origin: germline. Affected: yes.
Comment: Not observed at significant frequency in large population cohorts (gnomAD); In silico analysis supports that this missense variant has a deleterious effect on protein structure/function; Has not been previously published as pathogenic or benign to our knowledge